The following is an entry in ClinVar:

ClinVar aggregate classification (germline): Pathogenic (3 of 4 stars; one submission).

Conditions:
Breast-ovarian cancer, familial, susceptibility to, 1 (BROVCA1). Also called: BRCA1 Hereditary Breast and Ovarian Cancer; OVARIAN CANCER, SUSCEPTIBILITY TO. Identifiers: Orphanet 145, MedGen C2676676, MONDO:0011450, OMIM 604370. Disease mechanism: loss of function.

Submission:

Evidence-based Network for the Interpretation of Germline Mutant Alleles (ENIGMA)
Classification: Pathogenic for Breast-ovarian cancer, familial, susceptibility to, 1. Last evaluated: 2016-09-08. Review status: reviewed by expert panel. Criteria: ENIGMA BRCA1/2 Classification Criteria (2015). Collection method: curation. Allele origin: germline.
Comment: Variant allele predicted to encode a truncated non-functional protein.

NM_007294.4(BRCA1):c.5268_5274del (p.Asp1757fs)

Gene: BRCA1 (BRCA1 DNA repair associated; minus strand). Cytogenetic location: 17q21.31.
Variant type: Deletion.
Coding change: c.5268_5274del on transcript NM_007294.4 (MANE Select); coding-DNA positions 5268 to 5274, 7 bases deleted (GGACAGA; older notation c.5268_5274delGGACAGA).
Protein change: p.Asp1757fs; shifts the reading frame from aspartic acid 1757.
Molecular consequence: frameshift variant. On other transcripts: non-coding transcript variant (1).
Genome position (GRCh38, 1-based): chr17:43,057,055-43,057,061, TCTGTCC deleted on the plus strand (GGACAGA on the coding strand, the reverse complement: BRCA1 is on the minus strand); deleting any 7 consecutive bases within chr17:43,057,055-43,057,062 gives the same sequence; the c. name uses the placement nearest the transcript's 3' end. VCF-style (leftmost placement, unchanged base first): chr17-43057054-TTCTGTCC-T. GRCh37 (hg19) VCF-style: chr17-41209071-TTCTGTCC-T.
Other names: c.5268_5274delGGACAGA (NM_007294.3); c.5267_5273delAGGACAG, p.Asp1757Argfs (NM_001407598.1, NM_001407602.1, NM_001407603.1 and 7 more transcripts); c.5264_5270delAGGACAG, p.Asp1756Argfs (NM_001407610.1, NM_001407611.1, NM_001407612.1 and 17 more transcripts); c.1814_1820delAGGACAG, p.Asp606Argfs (NM_001408463.1, NM_001408464.1, NM_001408465.1 and 7 more transcripts); c.1811_1817delAGGACAG, p.Asp605Argfs (NM_001408468.1, NM_001408469.1, NM_001408470.1); c.1955_1961delAGGACAG, p.Asp653Argfs (NM_001408472.1, NM_007298.4, NM_007304.2 and 12 more transcripts); c.1952_1958delAGGACAG, p.Asp652Argfs (NM_001408473.1, NM_001408392.1, NM_001408396.1 and 8 more transcripts); c.1757_1763delAGGACAG, p.Asp587Argfs (NM_001408474.1); and 76 more; short protein forms D1757fs, D1778fs, D653fs, D1710fs.
Identifiers: ClinVar variation 254465 (VCV000254465.4), dbSNP rs886038043, ClinGen allele CA10586601.